The following is an entry in ClinVar:

NM_000410.4(HFE):c.193A>T (p.Ser65Cys)

Genes: HFE (homeostatic iron regulator; plus strand), HFE-AS1 (HFE antisense RNA 1; minus strand). Cytogenetic location: 6p22.2.
Variant type: single nucleotide variant.
Coding change: c.193A>T on transcript NM_000410.4 (MANE Select); coding-DNA position 193, A replaced by T.
Protein change: p.Ser65Cys; replaces serine 65 with cysteine.
Molecular consequence: missense variant. On other transcripts: non-coding transcript variant (1), intron variant (4).
Genome position (GRCh38, 1-based): chr6:26,090,957, A>T. VCF-style: chr6-26090957-A-T. GRCh37 (hg19) VCF-style: chr6-26091185-A-T.
Other names: c.193A>T, p.Ser65Cys (NM_001300749.3, NM_001384164.1, NM_001406751.1 and 3 more transcripts); c.124A>T, p.Ser42Cys (NM_139009.3); c.77-357A>T (NM_139007.3, NM_139008.3); c.77-1728A>T (NM_139010.3); c.77-2162A>T (NM_139011.3); short protein forms S65C, S42C.
Identifiers: ClinVar variation 11 (VCV000000011.98), dbSNP rs1800730, ClinGen allele CA339778.

ClinVar aggregate classification (germline): Conflicting classifications of pathogenicity. Review status: criteria provided, conflicting classifications (1 of 4 stars). 18 submissions from 18 submitters: Uncertain significance (9); Benign (2); Likely benign (4). 3 of the submissions do not count toward it. Last evaluated 2026-09-02.

Conditions:
Alzheimer disease type 1 (AD1). Also called: ALZHEIMER DISEASE, FAMILIAL, 1, AUTOSOMAL RECESSIVE; ALZHEIMER DISEASE, FAMILIAL, 1. Identifiers: MedGen C1863052, MONDO:0007088, OMIM 104300.
Microvascular complications of diabetes, susceptibility to, 7. Identifiers: MedGen C2673520, MONDO:0012971, OMIM 612635.
Familial porphyria cutanea tarda (PCT). Also called: PCT, ''FAMILIAL'' TYPE; PCT, TYPE II; PORPHYRIA CUTANEA TARDA, TYPE II; PORPHYRIA, HEPATOCUTANEOUS TYPE; UROD DEFICIENCY; UROPORPHYRINOGEN DECARBOXYLASE DEFICIENCY. Identifiers: Orphanet 101330, Orphanet 443062, MedGen C0268323, MONDO:0008296, OMIM 176100.
Hemochromatosis type 1 (HFE1). Also called: HFE-Related Hemochromatosis; HFE-Associated Hereditary Hemochromatosis. Identifiers: Orphanet 465508, MedGen C3469186, MONDO:0021001, OMIM 235200. Disease mechanism: loss of function.
TRANSFERRIN SERUM LEVEL QUANTITATIVE TRAIT LOCUS 2 (TFQTL2). Identifiers: MedGen C3280096, OMIM 614193.
Variegate porphyria (VP). Also called: PPOX DEFICIENCY; PORPHYRIA, SOUTH AFRICAN TYPE; PROTOPORPHYRINOGEN OXIDASE DEFICIENCY. Identifiers: Orphanet 79473, MedGen C0162532, MONDO:0008297, OMIM 176200.
HFE-related disorder. Also called: HFE-related condition.
Alzheimer disease. Also called: Alzheimer's disease; Presenile and senile dementia. Identifiers: Orphanet 1020, MedGen C0002395, MeSH D000544, MONDO:0004975, HP:0002511.
Hereditary hemochromatosis (HFE). Identifiers: MedGen C0392514, MONDO:0006507. Disease mechanism: loss of function.

Allele frequency attached by ClinVar (database versions not stated): 1000 Genomes Project 0.00399; 1000 Genomes Project 30x 0.00406; gnomAD 0.00992 and 0.01042; TOPMed 0.00887; gnomAD exomes 0.01415 and 0.01024; ExAC 0.01009.

Submissions 1 to 11 of 18:

PreventionGenetics, part of Exact Sciences
Classification: Uncertain significance for HFE-related condition. Last evaluated: 2026-09-02. Review status: criteria provided, single submitter. Criteria: ACMG Guidelines, 2015. Collection method: clinical testing. Allele origin: germline.
Comment: The HFE c.193A>T variant is predicted to result in the amino acid substitution p.Ser65Cys. Reports have indicated that the c.193A>T variant may be involved in a mild form of hemochromatosis (Mura et al. 1999. PubMed ID: 10194428; Holmström et al. 2002. PubMed ID: 12377814). However, a different study found no significant changes in ferritin levels in individuals with the p.Ser65Cys variant, even in presence of a corresponding p.Cys282Tyr or p.His63Asp variant (Pedersen and Milman. 2009. PubMed ID: 19159930). This variant has conflicting interpretations ranging from benign to uncertain in ClinVar. At this time, the clinical significance of this variant is uncertain due to the absence of conclusive functional and genetic evidence.

CeGaT Center for Human Genetics Tuebingen
Classification: Benign. Last evaluated: 2026-09-01. Review status: criteria provided, single submitter. Criteria: CeGaT Center For Human Genetics Tuebingen Variant Classification Criteria Version 2. Collection method: clinical testing. Allele origin: germline. Affected: yes. Observed: 41 variant alleles.
Comment: HFE: BS1, BS2

Greenwood Genetic Center Diagnostic Laboratories, Greenwood Genetic Center
Classification: Uncertain significance. Last evaluated: 2026-05-14. Review status: criteria provided, single submitter. Criteria: ACMG Guidelines, 2015. Collection method: clinical testing. Allele origin: germline.
Comment: PM3

Dasa
Classification: Uncertain significance. Last evaluated: 2026-04-28. Review status: criteria provided, single submitter. Criteria: DASA Assertion Criteria. Collection method: clinical testing. Allele origin: germline.
Comment: NM_000410.4(HFE):c.193A>T (p.Ser65Cys) is a missense variant that results in the substitution of serine with cysteine. This variant has been reported as a risk allele associated with related phenotype (PMID: 16132052; PMID: 12377814; PMID: 10194428; PMID: 11943417). This variant is rare in population databases. The currently available literature and clinical evidence are not sufficient to establish a definitive association between this variant and the reported condition. Therefore, this variant is classified as a variant of uncertain significance.

Labcorp Genetics (formerly Invitae), Labcorp
Classification: Likely benign for Hereditary hemochromatosis. Last evaluated: 2026-02-03. Review status: criteria provided, single submitter. Criteria: Invitae Variant Classification Sherloc (09022015). Collection method: clinical testing. Allele origin: germline.

Center for Genomic Medicine, Rigshospitalet, Copenhagen University Hospital
Classification: Uncertain significance. Last evaluated: 2025-12-29. Review status: criteria provided, single submitter. Criteria: ACMG Guidelines, 2015. Collection method: clinical testing. Allele origin: germline.

Women's Health and Genetics/Laboratory Corporation of America, LabCorp
Classification: Likely benign. Last evaluated: 2025-07-08. Review status: criteria provided, single submitter. Criteria: LabCorp Variant Classification Summary - May 2015. Collection method: clinical testing. Allele origin: germline.
Comment: Variant summary: HFE c.193A>T (p.Ser65Cys) results in a non-conservative amino acid change located in the MHC class I-like antigen recognition-like domain (IPR011161) of the encoded protein sequence. Algorithms developed to predict the effect of missense changes on protein structure and function all suggest that this variant is likely to be disruptive. The variant allele was found at a frequency of 0.01 in 251490 control chromosomes in the gnomAD database, including 24 homozygotes. c.193A>T has been reported in association with Hemochromatosis Type 1 in at least one published study, in which the variant was enriched in individuals affected with Hemochromatosis who did not have two alleles with some combination of the more common disease mutations p.C282Y and p.H63D (e.g. Mura_1999). This data suggested a possibly pathogenic role for the p.S65C variant. However, the variant has also been found in compound heterozygosity with these other disease variants in controls, and additional studies did not find association of the variant with the Hemochromatosis phenotype (e.g. Arya_1999, Oliveira_2009, Pedersen_2009). At least one publication reported an association for the variant with mild to moderate changes in serum ferritin and/or transferrin levels in indivduals who were compound heterozygotes for this variant and one of the common disease variants, however these individuals did not have clinical symptoms of iron load typically found in patients diagnosed with Hemochromatosis Type 1 (e.g. Holmstrom_2002). These reports do not provide unequivocal conclusions about association of the variant with Hemochromatosis Type 1. To our knowledge, no conclusive experimental evidence demonstrating an impact on protein function has been reported. The following publications have been ascertained in the context of this evaluation (PMID: 19159930, 27173269, 29404719, 10660483, 12377814, 10194428, 19681031). ClinVar contains an entry for this variant (Variation ID: 11). Based on the evidence outlined above, the variant was classified as likely benign.

Blueprint Genetics
Classification: Likely benign. Last evaluated: 2024-11-26. Review status: criteria provided, single submitter. Criteria: ACMG Guidelines, 2015. Collection method: clinical testing. Allele origin: germline.

Victorian Clinical Genetics Services, Murdoch Childrens Research Institute
Classification: Likely benign for Hemochromatosis type 1. Last evaluated: 2023-07-17. Review status: criteria provided, single submitter. Criteria: ACMG Guidelines, 2015. Collection method: clinical testing. Allele origin: germline. Inheritance: Autosomal recessive inheritance.
Comment: Based on the classification scheme VCGS_Germline_v1.3.3, this variant is classified as Likely benign. Following criteria are met: 0805 - This variant has strong previous evidence of being benign in unrelated individuals. The EMQN practice guidelines state that there is no evidence to support a causative role of this variant in hereditary haemochromatosis (PMID: 26153218). (SB) Legend: (SP) - Supporting pathogenic, (I) - Information, (SB) - Supporting benign

Laboratory for Molecular Medicine, Mass General Brigham Personalized Medicine
Classification: Uncertain significance. Last evaluated: 2022-06-30. Review status: criteria provided, single submitter. Criteria: ACMG Guidelines, 2015. Collection method: clinical testing. Allele origin: germline.
Comment: The p.Ser65Cys has been reported as a normal variant in the European population, has also been described as a susceptibility allele in patients with iron overload, particularly in association with heavy alcohol consumption,but no evidence has ever been provided to support a causative role in HH. Therefore, neither testing nor reporting the presence of p.Ser65Cys is recommended in the diagnosis of HFE-related HH (EMQN best practice guidelines for the molecular genetic diagnosis of hereditary hemochromatosis (HH) PMID: 26153218). Also: A third HFE genotype, known as type 1c, is related to the mutation Ser65Cys. The Ser65Cys mutation may lead to increased serum iron and ferritin levels but has not been associated with excess tissue iron stores and can, therefore, be considered a polymorphism without clinical significance (ACG Clinical Guideline: Hereditary Hemochromatosis). The Ser65Cys mutation is less common than either C282Y or H63D, with a heterozygote frequency of about 2% among whites (113,114). This mutation appears to have a modest effect on iron metabolism in the presence of the C282Y mutation, but iron overload–related disease has not been reported in C282Y/S65C compound heterozygotes. Neither the homozygous nor the heterozygous H63D or S65C mutation is a cause of pathologic iron overload. (PMID: 31335359).

Mendelics
Classification: Uncertain significance. Last evaluated: 2022-05-04. Review status: criteria provided, single submitter. Criteria: Mendelics Assertion Criteria 2019. Collection method: clinical testing. Allele origin: germline.